The following is an entry in ClinVar:

NM_004973.4(JARID2):c.3022G>C (p.Val1008Leu)

Gene: JARID2 (jumonji and AT-rich interaction domain containing 2; plus strand). Cytogenetic location: 6p22.3.
Variant type: single nucleotide variant.
Coding change: c.3022G>C on transcript NM_004973.4 (MANE Select); coding-DNA position 3022, G replaced by C.
Protein change: p.Val1008Leu; replaces valine 1008 with leucine.
Molecular consequence: missense variant.
Genome position (GRCh38, 1-based): chr6:15,512,277, G>C. VCF-style: chr6-15512277-G-C. GRCh37 (hg19) VCF-style: chr6-15512508-G-C.
Other names: c.2506G>C, p.Val836Leu (NM_001267040.1); c.3022G>C (NM_004973.2); short protein forms V1008L, V836L.
Identifiers: ClinVar variation 2428963 (VCV002428963.4), dbSNP rs2533232941, ClinGen allele CA362802274.

ClinVar aggregate classification (germline): Uncertain significance. Review status: criteria provided, multiple submitters, no conflicts (2 of 4 stars). 2 submissions from 2 submitters: Uncertain significance (2). Last evaluated 2025-08-09.

Conditions:
Inborn genetic diseases. Identifiers: MedGen C0950123, MeSH D030342.

Submissions (2):

Ambry Genetics
Classification: Uncertain significance for Inborn genetic diseases. Last evaluated: 2025-08-09. Review status: criteria provided, single submitter. Criteria: Ambry Variant Classification Scheme 2023. Collection method: clinical testing. Allele origin: germline.

GeneDx
Classification: Uncertain significance. Last evaluated: 2023-01-31. Review status: criteria provided, single submitter. Criteria: GeneDx Variant Classification Process June 2021. Collection method: clinical testing. Allele origin: germline. Affected: yes.
Comment: Not observed at significant frequency in large population cohorts (gnomAD); In silico analysis supports that this missense variant does not alter protein structure/function; Has not been previously published as pathogenic or benign to our knowledge